The following is an entry in ClinVar:

NM_004385.5(VCAN):c.9280A>G (p.Lys3094Glu)

Genes: VCAN (versican; plus strand), VCAN-AS1 (VCAN antisense RNA 1; minus strand). Cytogenetic location: 5q14.3.
Variant type: single nucleotide variant.
Coding change: c.9280A>G on transcript NM_004385.5 (MANE Select); coding-DNA position 9280, A replaced by G.
Protein change: p.Lys3094Glu; replaces lysine 3094 with glutamic acid.
Molecular consequence: missense variant.
Genome position (GRCh38, 1-based): chr5:83,545,551, A>G. VCF-style: chr5-83545551-A-G. GRCh37 (hg19) VCF-style: chr5-82841370-A-G.
Other names: c.1057A>G, p.Lys353Glu (NM_001126336.3); c.6319A>G, p.Lys2107Glu (NM_001164097.2); c.4018A>G, p.Lys1340Glu (NM_001164098.2); short protein forms K1340E, K3094E, K2107E, K353E.
Identifiers: ClinVar variation 2997706 (VCV002997706.3), dbSNP rs766996519, ClinGen allele CA3333959.

ClinVar aggregate classification (germline): Uncertain significance (1 of 4 stars; one submission).

Allele frequency attached by ClinVar (database versions not stated): ExAC 0.00001.
gnomAD v4.1: 1 of 1,614,140 alleles (0.000062%); highest among the groups gnomAD compares: Non-Finnish European, 0.000085%; no homozygotes.

Submission:

Labcorp Genetics (formerly Invitae), Labcorp
Classification: Uncertain significance. Last evaluated: 2023-03-21. Review status: criteria provided, single submitter. Criteria: Invitae Variant Classification Sherloc (09022015). Collection method: clinical testing. Allele origin: germline.
Comment: In summary, the available evidence is currently insufficient to determine the role of this variant in disease. Therefore, it has been classified as a Variant of Uncertain Significance. An algorithm developed to predict the effect of missense changes on protein structure and function (PolyPhen-2) suggests that this variant is likely to be disruptive. This variant has not been reported in the literature in individuals affected with VCAN-related conditions. This variant is present in population databases (rs766996519, gnomAD 0.002%). This sequence change replaces lysine, which is basic and polar, with glutamic acid, which is acidic and polar, at codon 3094 of the VCAN protein (p.Lys3094Glu).